The following is an entry in ClinVar:

ClinVar aggregate classification (germline): Uncertain significance (1 of 4 stars; one submission).

Submission:

Ambry Genetics
Classification: Uncertain significance. Last evaluated: 2025-11-23. Review status: criteria provided, single submitter. Criteria: Ambry Variant Classification Scheme 2023. Collection method: clinical testing. Allele origin: germline.
Comment: The p.E1325V variant (also known as c.3974A>T), located in coding exon 18 of the WNK2 gene, results from an A to T substitution at nucleotide position 3974. The glutamic acid at codon 1325 is replaced by valine, an amino acid with dissimilar properties. This amino acid position is conserved. In addition, this alteration is predicted to be tolerated by in silico analysis. Based on the available evidence, the clinical significance of this variant remains unclear.

NM_006648.4(WNK2):c.3974A>T (p.Glu1325Val)

Gene: WNK2 (WNK lysine deficient protein kinase 2; plus strand). Cytogenetic location: 9q22.31.
Variant type: single nucleotide variant.
Coding change: c.3974A>T on transcript NM_006648.4 (MANE Select); coding-DNA position 3974, A replaced by T.
Protein change: p.Glu1325Val; replaces glutamic acid 1325 with valine.
Molecular consequence: missense variant.
Genome position (GRCh38, 1-based): chr9:93,268,687, A>T. VCF-style: chr9-93268687-A-T. GRCh37 (hg19) VCF-style: chr9-96030969-A-T.
Other names: c.3974A>T, p.Glu1325Val (NM_001282394.3); short protein forms E1325V.
Identifiers: ClinVar variation 4605380 (VCV004605380.1).